The following is an entry in ClinVar:

NM_001330311.2(DVL1):c.1846_1849dup (p.Arg617fs)

Gene: DVL1 (dishevelled segment polarity protein 1; minus strand). Cytogenetic location: 1p36.33.
Variant type: Duplication.
Coding change: c.1846_1849dup on transcript NM_001330311.2 (MANE Select); coding-DNA positions 1846 to 1849, 4 bases duplicated (TGGC; older notation c.1846_1849dupTGGC).
Protein change: p.Arg617fs; shifts the reading frame from arginine 617.
Molecular consequence: frameshift variant.
Genome position (GRCh38, 1-based): chr1:1,336,381-1,336,384, GCCA duplicated on the plus strand (TGGC on the coding strand, the reverse complement: DVL1 is on the minus strand); duplicating any 4 consecutive bases within chr1:1,336,381-1,336,386 gives the same sequence; the c. name uses the placement nearest the transcript's 3' end. VCF-style (leftmost placement, unchanged base first): chr1-1336380-C-CGCCA. GRCh37 (hg19) VCF-style: chr1-1271760-C-CGCCA.
Other names: c.1771_1774dup, p.Arg592fs (NM_004421.3); short protein forms R592fs, R617fs.
Identifiers: ClinVar variation 2505816 (VCV002505816.1), dbSNP rs2523129747, ClinGen allele CA2580611125.

ClinVar aggregate classification (germline): Uncertain significance (1 of 4 stars; one submission).

Submission:

GeneDx
Classification: Uncertain significance. Last evaluated: 2022-12-15. Review status: criteria provided, single submitter. Criteria: GeneDx Variant Classification Process June 2021. Collection method: clinical testing. Allele origin: germline. Affected: yes.
Comment: Not observed at significant frequency in large population cohorts (gnomAD); Frameshift variant predicted to result in protein truncation as the last 79 amino acids are replaced with 90 different amino acids, although loss-of-function variants have not been reported downstream of this position in the protein; Has not been previously published as pathogenic or benign to our knowledge